The following is an entry in ClinVar:

ClinVar aggregate classification (germline): Uncertain significance (1 of 4 stars; one submission).

Conditions:
Developmental and epileptic encephalopathy, 42 (DEE42A). Also called: DEVELOPMENTAL AND EPILEPTIC ENCEPHALOPATHY 42A; EPILEPTIC ENCEPHALOPATHY, EARLY INFANTILE, 42A; Epileptic encephalopathy, early infantile, 42. Identifiers: MedGen C4310716, MONDO:0014917, OMIM 617106.
Episodic ataxia type 2 (EA2). Also called: EPISODIC ATAXIA, NYSTAGMUS-ASSOCIATED; ACETAZOLAMIDE-RESPONSIVE HEREDITARY PAROXYSMAL CEREBELLAR ATAXIA; ATAXIA, EPISODIC, WITH NYSTAGMUS; ATAXIA, FAMILIAL PAROXYSMAL; CEREBELLAR ATAXIA, PAROXYSMAL, ACETAZOLAMIDE-RESPONSIVE; CEREBELLOPATHY, HEREDITARY PAROXYSMAL. Identifiers: Orphanet 97, MedGen C1720416, MONDO:0007163, OMIM 108500.

Submission:

Labcorp Genetics (formerly Invitae), Labcorp
Classification: Uncertain significance for Developmental and epileptic encephalopathy, 42; Episodic ataxia type 2. Last evaluated: 2022-09-01. Review status: criteria provided, single submitter. Criteria: Invitae Variant Classification Sherloc (09022015). Collection method: clinical testing. Allele origin: germline.
Comment: This variant is not present in population databases (gnomAD no frequency). In summary, the available evidence is currently insufficient to determine the role of this variant in disease. Therefore, it has been classified as a Variant of Uncertain Significance. Advanced modeling of protein sequence and biophysical properties (such as structural, functional, and spatial information, amino acid conservation, physicochemical variation, residue mobility, and thermodynamic stability) performed at Invitae indicates that this missense variant is expected to disrupt CACNA1A protein function. ClinVar contains an entry for this variant (Variation ID: 1056899). This variant has not been reported in the literature in individuals affected with CACNA1A-related conditions. This sequence change replaces proline, which is neutral and non-polar, with leucine, which is neutral and non-polar, at codon 64 of the CACNA1A protein (p.Pro64Leu).

NM_001127222.2(CACNA1A):c.191C>T (p.Pro64Leu)

Gene: CACNA1A (calcium voltage-gated channel subunit alpha1 A; minus strand). Cytogenetic location: 19p13.13.
Variant type: single nucleotide variant.
Coding change: c.191C>T on transcript NM_001127222.2 (MANE Select); coding-DNA position 191, C replaced by T.
Protein change: p.Pro64Leu; replaces proline 64 with leucine.
Molecular consequence: missense variant.
Genome position (GRCh38, 1-based): chr19:13,506,034, G>A on the plus strand (C>T on the coding strand, the complement: CACNA1A is on the minus strand). VCF-style: chr19-13506034-G-A. GRCh37 (hg19) VCF-style: chr19-13616848-G-A.
Other names: c.191C>T, p.Pro64Leu (NM_000068.4, NM_001127221.2, NM_001174080.2 and 1 more transcripts); short protein forms P64L.
Identifiers: ClinVar variation 1056899 (VCV001056899.9), dbSNP rs2145192387, ClinGen allele CA404971005.